The following is an entry in ClinVar:

ClinVar aggregate classification (germline): Uncertain significance (1 of 4 stars; one submission).

Allele frequency attached by ClinVar (database versions not stated): gnomAD exomes below 0.00001; TOPMed 0.00001.
gnomAD v4.1: 1 of 1,611,894 alleles (0.000062%); highest among the groups gnomAD compares: Non-Finnish European, 0.000085%; no homozygotes.

Submission:

Labcorp Genetics (formerly Invitae), Labcorp
Classification: Uncertain significance. Last evaluated: 2024-03-05. Review status: criteria provided, single submitter. Criteria: Invitae Variant Classification Sherloc (09022015). Collection method: clinical testing. Allele origin: germline.
Comment: This sequence change replaces alanine, which is neutral and non-polar, with serine, which is neutral and polar, at codon 257 of the FAR1 protein (p.Ala257Ser). This variant is not present in population databases (gnomAD no frequency). This missense change has been observed in individual(s) with clinical features of peroxisomal fatty acyl-CoA reductase 1 disorder (Invitae). In at least one individual the data is consistent with being in trans (on the opposite chromosome) from a pathogenic variant. ClinVar contains an entry for this variant (Variation ID: 839314). An algorithm developed to predict the effect of missense changes on protein structure and function (PolyPhen-2) suggests that this variant is likely to be disruptive. Algorithms developed to predict the effect of sequence changes on RNA splicing suggest that this variant may disrupt the consensus splice site. In summary, the available evidence is currently insufficient to determine the role of this variant in disease. Therefore, it has been classified as a Variant of Uncertain Significance.

NM_032228.6(FAR1):c.769G>T (p.Ala257Ser)

Gene: FAR1 (fatty acyl-CoA reductase 1; plus strand). Cytogenetic location: 11p15.3.
Variant type: single nucleotide variant.
Coding change: c.769G>T on transcript NM_032228.6 (MANE Select); coding-DNA position 769, G replaced by T.
Protein change: p.Ala257Ser; replaces alanine 257 with serine.
Molecular consequence: missense variant.
Genome position (GRCh38, 1-based): chr11:13,711,928, G>T. VCF-style: chr11-13711928-G-T. GRCh37 (hg19) VCF-style: chr11-13733475-G-T.
Other names: short protein forms A257S.
Identifiers: ClinVar variation 839314 (VCV000839314.9), dbSNP rs1848503435, ClinGen allele CA379857675.